The following is an entry in ClinVar:

NM_006218.4(PIK3CA):c.1504C>T (p.Arg502Ter)

Gene: PIK3CA (phosphatidylinositol-4,5-bisphosphate 3-kinase catalytic subunit alpha; plus strand). Cytogenetic location: 3q26.32.
Variant type: single nucleotide variant.
Coding change: c.1504C>T on transcript NM_006218.4 (MANE Select); coding-DNA position 1504, C replaced by T.
Protein change: p.Arg502Ter; replaces arginine 502 with a stop codon.
Molecular consequence: nonsense.
Genome position (GRCh38, 1-based): chr3:179,210,530, C>T. VCF-style: chr3-179210530-C-T. GRCh37 (hg19) VCF-style: chr3-178928318-C-T.
Other names: short protein forms R502*.
Identifiers: ClinVar variation 1307197 (VCV001307197.2), dbSNP rs1724683795, ClinGen allele CA355262731.

ClinVar aggregate classification (germline): Uncertain significance (1 of 4 stars; one submission).

Submission:

GeneDx
Classification: Uncertain significance. Last evaluated: 2019-08-05. Review status: criteria provided, single submitter. Criteria: GeneDx Variant Classification Process June 2021. Collection method: clinical testing. Allele origin: germline. Affected: yes.
Comment: Nonsense variant predicted to result in protein truncation or nonsense mediated decay in a gene for which loss-of-function is not a known mechanism of disease; Not observed in large population cohorts (Lek et al., 2016); Has not been previously published as pathogenic or benign to our knowledge